The following is an entry in ClinVar:

ClinVar aggregate classification (germline): Pathogenic (1 of 4 stars; one submission).

Conditions:
Familial adenomatous polyposis 3. Also called: NTHL1-associated polyposis; NTHL1-Related Adenomatous Polyposis and Colorectal Cancer; NTHL1-related attenuated familial adenomatous polyposis; NTHL1 Tumor Syndrome. Identifiers: Orphanet 220460, Orphanet 454840, MedGen C4225157, MONDO:0014630, OMIM 616415.

Submission:

Myriad Genetics, Inc.
Classification: Pathogenic for Familial adenomatous polyposis 3. Last evaluated: 2024-04-30. Review status: criteria provided, single submitter. Criteria: Myriad Autosomal Dominant, Autosomal Recessive and X-Linked Classification Criteria (2023). Collection method: clinical testing. Allele origin: unknown.
Comment: This variant is considered pathogenic. This variant creates a frameshift predicted to result in premature protein truncation.

NM_002528.7(NTHL1):c.40_59del (p.Ser14fs)

Gene: NTHL1 (nth like DNA glycosylase 1; minus strand). Cytogenetic location: 16p13.3.
Variant type: Deletion.
Coding change: c.40_59del on transcript NM_002528.7 (MANE Select); coding-DNA positions 40 to 59, 20 bases deleted (AGCCTGGGACCCGGGGCTGG).
Protein change: p.Ser14fs; shifts the reading frame from serine 14.
Molecular consequence: frameshift variant. On other transcripts: 5 prime UTR variant (1).
Genome position (GRCh38, 1-based): chr16:2,047,765-2,047,784, CCAGCCCCGGGTCCCAGGCT deleted on the plus strand (AGCCTGGGACCCGGGGCTGG on the coding strand, the reverse complement: NTHL1 is on the minus strand); deleting any 20 consecutive bases within chr16:2,047,765-2,047,786 gives the same sequence; the c. name uses the placement nearest the transcript's 3' end. VCF-style (leftmost placement, unchanged base first): chr16-2047764-CCCAGCCCCGGGTCCCAGGCT-C. GRCh37 (hg19) VCF-style: chr16-2097765-CCCAGCCCCGGGTCCCAGGCT-C.
Other names: c.40_59del, p.Ser14fs (NM_001318193.2); c.-139_-120del (NM_001318194.2); short protein forms S14fs.
Identifiers: ClinVar variation 3254378 (VCV003254378.1), dbSNP rs2548331747.
Genomic context (GRCh38, chr16:2,047,764, plus strand): 5'-GCTACCTGCTGCAGCCTCTCTTCTCCGGAGAGGCCCGGGCTCCTCCCTACACCCCCGCGG[CCCAGCCCCGGGTCCCAGGCT>C]CCGGCTCCGGGTCAGCATCCTCGCGCTCAAGGCGGTCATGCCGGACTCCTGCGGACTACA-3'